The following is an entry in ClinVar:

NM_005912.3(MC4R):c.-4C>A

Gene: MC4R (melanocortin 4 receptor; minus strand). Cytogenetic location: 18q21.32.
Variant type: single nucleotide variant.
Coding change: c.-4C>A on transcript NM_005912.3 (MANE Select); 4 bases upstream of the start codon, C replaced by A.
Molecular consequence: 5 prime UTR variant.
Genome position (GRCh38, 1-based): chr18:60,372,353, G>T on the plus strand (C>A on the coding strand, the complement: MC4R is on the minus strand). VCF-style: chr18-60372353-G-T. GRCh37 (hg19) VCF-style: chr18-58039586-G-T.
Identifiers: ClinVar variation 4981910 (VCV004981910.1).

ClinVar aggregate classification (germline): Likely benign (1 of 4 stars; one submission).

Conditions:
MC4R-related disorder. Also called: MC4R-related condition.

gnomAD v4.1: 27 of 1,613,998 alleles (0.0017%); highest among the groups gnomAD compares: Non-Finnish European, 0.0021%; no homozygotes.

Submission:

PreventionGenetics, part of Exact Sciences
Classification: Likely benign for MC4R-related condition. Last evaluated: 2025-07-30. Review status: criteria provided, single submitter. Criteria: ACMG Guidelines, 2015. Collection method: clinical testing. Allele origin: germline.
Comment: This variant is classified as likely benign based on ACMG/AMP sequence variant interpretation guidelines (Richards et al. 2015 PMID: 25741868, with internal and published modifications).